The following is an entry in ClinVar:

NM_005276.4(GPD1):c.799G>A (p.Gly267Arg)

Gene: GPD1 (glycerol-3-phosphate dehydrogenase 1; plus strand). Cytogenetic location: 12q13.12.
Variant type: single nucleotide variant.
Coding change: c.799G>A on transcript NM_005276.4 (MANE Select); coding-DNA position 799, G replaced by A.
Protein change: p.Gly267Arg; replaces glycine 267 with arginine.
Molecular consequence: missense variant.
Genome position (GRCh38, 1-based): chr12:50,107,753, G>A. VCF-style: chr12-50107753-G-A. GRCh37 (hg19) VCF-style: chr12-50501536-G-A.
Other names: c.730G>A, p.Gly244Arg (NM_001257199.2); c.799G>A (NM_005276.2); short protein forms G244R, G267R.
Identifiers: ClinVar variation 2069385 (VCV002069385.2), dbSNP rs746425080, ClinGen allele CA6561749.
Genomic context (GRCh38, chr12:50,107,753, plus strand): 5'-GTGTCCTCTGCCACCTTCTTGGAGAGCTGTGGTGTTGCTGACCTGATCACTACCTGCTAT[G>A]GAGGGCGGAACCGGAAAGTGGCTGAGGCCTTTGCGCGTACAGGAAAGGTGGGCCCCGGGA-3'
Protein context (NP_005267.2, residues 257-277): GVADLITTCY[Gly267Arg]GRNRKVAEAF

ClinVar aggregate classification (germline): Uncertain significance. Review status: criteria provided, multiple submitters, no conflicts (2 of 4 stars). 2 submissions from 2 submitters: Uncertain significance (2). Last evaluated 2025-06-11.

Conditions:
Inborn genetic diseases. Identifiers: MedGen C0950123, MeSH D030342.

Allele frequency attached by ClinVar (database versions not stated): gnomAD 0.00001; ExAC 0.00005; gnomAD exomes 0.00009; TOPMed 0.00003.

Submissions (2):

Ambry Genetics
Classification: Uncertain significance for Inborn genetic diseases. Last evaluated: 2025-06-11. Review status: criteria provided, single submitter. Criteria: Ambry Variant Classification Scheme 2023. Collection method: clinical testing. Allele origin: germline.

Labcorp Genetics (formerly Invitae), Labcorp
Classification: Uncertain significance. Last evaluated: 2022-06-03. Review status: criteria provided, single submitter. Criteria: Invitae Variant Classification Sherloc (09022015). Collection method: clinical testing. Allele origin: germline.
Comment: This sequence change replaces glycine, which is neutral and non-polar, with arginine, which is basic and polar, at codon 267 of the GPD1 protein (p.Gly267Arg). This variant is present in population databases (rs746425080, gnomAD 0.006%). This missense change has been observed in individual(s) with clinical features of dyslipidemia (PMID: 32041611). Algorithms developed to predict the effect of missense changes on protein structure and function are either unavailable or do not agree on the potential impact of this missense change (SIFT: "Deleterious"; PolyPhen-2: "Possibly Damaging"; Align-GVGD: "Class C0"). In summary, the available evidence is currently insufficient to determine the role of this variant in disease. Therefore, it has been classified as a Variant of Uncertain Significance.

Literature cited by the submitters: PubMed 32041611 (cited by Labcorp Genetics (formerly Invitae), Labcorp).